The following is an entry in ClinVar:

NM_005138.3(SCO2):c.256C>T (p.Gln86Ter)

Genes: NCAPH2 (non-SMC condensin II complex subunit H2; plus strand), SCO2 (synthesis of cytochrome C oxidase 2; minus strand). Cytogenetic location: 22q13.33.
Variant type: single nucleotide variant.
Coding change: c.256C>T on transcript NM_005138.3 (MANE Select); coding-DNA position 256, C replaced by T.
Protein change: p.Gln86Ter; replaces glutamine 86 with a stop codon.
Molecular consequence: nonsense. On other transcripts: 3 prime UTR variant (2).
Genome position (GRCh38, 1-based): chr22:50,524,156, G>A on the plus strand (C>T on the coding strand, the complement: SCO2 is on the minus strand). VCF-style: chr22-50524156-G-A. GRCh37 (hg19) VCF-style: chr22-50962585-G-A.
Other names: c.*781G>A (NM_001185011.2, NM_152299.4); c.256C>T, p.Gln86Ter (NM_001169109.2, NM_001169110.1, NM_001169111.2); short protein forms Q86*.
Identifiers: ClinVar variation 1034155 (VCV001034155.1), dbSNP rs2069218741, ClinGen allele CA412193386.
Genomic context (GRCh38, chr22:50,524,156, plus strand): 5'-GGTGGAAGTCGCCCTGGCCCACAGCTGCCTGGCGCAGGGCTTCTGTTCGCTTTTGCTGCT[G>A]CAGCCTCTCCTTCTCAGCCCTCAGGGCCAGCCAGGCCCCACCGAGTCCAGCCCCGAACAG-3'

ClinVar aggregate classification (germline): Pathogenic (1 of 4 stars; one submission).

Conditions:
Cardioencephalomyopathy, fatal infantile, due to cytochrome c oxidase deficiency 1 (MC4DN2). Also called: CYTOCHROME c OXIDASE DEFICIENCY, FATAL INFANTILE, WITH CARDIOENCEPHALOMYOPATHY; MITOCHONDRIAL COMPLEX IV DEFICIENCY, NUCLEAR TYPE 2. Identifiers: Orphanet 1561, MedGen C5399977, MONDO:0011451, OMIM 604377.

Submission:

Baylor Genetics
Classification: Pathogenic for Cardioencephalomyopathy, fatal infantile, due to cytochrome c oxidase deficiency 1. Last evaluated: 2018-01-29. Review status: criteria provided, single submitter. Criteria: ACMG Guidelines, 2015. Collection method: clinical testing. Allele origin: paternal. Affected: yes.
Comment: This variant was determined to be pathogenic according to ACMG Guidelines, 2015 [PMID:25741868].